The following is an entry in ClinVar:

NM_002474.3(MYH11):c.546C>T (p.Ala182=)

Gene: MYH11 (myosin heavy chain 11; minus strand). Cytogenetic location: 16p13.11.
Variant type: single nucleotide variant.
Coding change: c.546C>T on transcript NM_002474.3 (MANE Select); coding-DNA position 546, C replaced by T.
Protein change: p.Ala182=; no amino-acid change (alanine 182 retained).
Molecular consequence: synonymous variant.
Genome position (GRCh38, 1-based): chr16:15,786,717, G>A on the plus strand (C>T on the coding strand, the complement: MYH11 is on the minus strand). VCF-style: chr16-15786717-G-A. GRCh37 (hg19) VCF-style: chr16-15880574-G-A.
Other names: c.546C>T, p.Ala182= (NM_001040113.2, NM_001040114.2, NM_022844.3).
Identifiers: ClinVar variation 263526 (VCV000263526.31), dbSNP rs113577450, ClinGen allele CA7922933.
Genomic context (GRCh38, chr16:15,786,717, plus strand): 5'-GTGGGAGGAGGCCACCACGGCCAGGTACTGAATGACCTTCTTGGTGTTTTCGGTTTTCCC[G>A]GCTCCAGACTCGCCTCTGAAAGACACGGGAACATCATCTATGCACACGTTCCATGGTGAC-3'
Protein context (NP_002465.1, residues 172-192): QSILCTGESG[Ala182=]GKTENTKKVI

ClinVar aggregate classification (germline): Conflicting classifications of pathogenicity. Review status: criteria provided, conflicting classifications (1 of 4 stars). 8 submissions from 8 submitters: Uncertain significance (1); Likely benign (6). 1 of the submissions does not count toward it. Last evaluated 2026-01-01.

Conditions:
MYH11-related disorder. Also called: MYH11-related condition.
Familial thoracic aortic aneurysm and aortic dissection (TAAD). Also called: Thoracic aortic aneurysms and dissections. Identifiers: Orphanet 91387, MedGen C4707243, MONDO:0019625.
Aortic aneurysm, familial thoracic 4 (AAT4). Also called: AORTIC ANEURYSM/AORTIC DISSECTION AND PATENT DUCTUS ARTERIOSUS. Identifiers: MedGen C1851504, MONDO:0007568, OMIM 132900.

Allele frequency attached by ClinVar (database versions not stated): ExAC 0.00003; gnomAD 0.00003 and 0.00004; gnomAD exomes 0.00003 and 0.00010; TOPMed 0.00005; ESP Exome Variant Server 0.00008; 1000 Genomes Project 30x 0.00016; 1000 Genomes Project 0.00020.
gnomAD v4.1: 164 of 1,613,958 alleles (0.01%); highest among the groups gnomAD compares: Middle Eastern, 0.017%; no homozygotes.

Submissions (8):

CeGaT Center for Human Genetics Tuebingen
Classification: Likely benign. Last evaluated: 2026-01-01. Review status: criteria provided, single submitter. Criteria: CeGaT Center For Human Genetics Tuebingen Variant Classification Criteria Version 2. Collection method: clinical testing. Allele origin: germline. Affected: yes. Observed: 1 variant allele.
Comment: MYH11: BP4, BP7

Labcorp Genetics (formerly Invitae), Labcorp
Classification: Likely benign for Aortic aneurysm, familial thoracic 4. Last evaluated: 2025-12-24. Review status: criteria provided, single submitter. Criteria: Invitae Variant Classification Sherloc (09022015). Collection method: clinical testing. Allele origin: germline.

Blueprint Genetics
Classification: Likely benign. Last evaluated: 2023-08-21. Review status: criteria provided, single submitter. Criteria: ACMG Guidelines, 2015. Collection method: clinical testing. Allele origin: germline.

GeneDx
Classification: Likely benign. Last evaluated: 2021-01-16. Review status: criteria provided, single submitter. Criteria: GeneDx Variant Classification Process June 2021. Collection method: clinical testing. Allele origin: germline. Affected: yes.
Comment: Has not been previously published as pathogenic or benign to our knowledge

Color Diagnostics, LLC DBA Color Health
Classification: Likely benign for Familial thoracic aortic aneurysm and aortic dissection. Last evaluated: 2018-10-08. Review status: criteria provided, single submitter. Criteria: ACMG Guidelines, 2015. Collection method: clinical testing. Allele origin: germline.

Illumina Laboratory Services, Illumina
Classification: Uncertain significance for Aortic aneurysm, familial thoracic 4. Last evaluated: 2018-01-13. Review status: criteria provided, single submitter. Criteria: ICSL Variant Classification Criteria 13 December 2019. Collection method: clinical testing. Allele origin: germline.

Ambry Genetics
Classification: Likely benign for Familial thoracic aortic aneurysm and aortic dissection. Last evaluated: 2017-06-03. Review status: criteria provided, single submitter. Criteria: Ambry Variant Classification Scheme 2023. Collection method: clinical testing. Allele origin: germline.

PreventionGenetics, part of Exact Sciences
Classification: Likely benign for MYH11-related condition. Last evaluated: 2021-04-29. Review status: no assertion criteria provided. Collection method: clinical testing. Allele origin: germline. Not counted in ClinVar's aggregate classification.
Comment: This variant is classified as likely benign based on ACMG/AMP sequence variant interpretation guidelines (Richards et al. 2015 PMID: 25741868, with internal and published modifications).